The following is an entry in ClinVar:

NM_000088.4(COL1A1):c.3901_3902insCTC (p.Tyr1301delinsSerHis)

Gene: COL1A1 (collagen type I alpha 1 chain; minus strand). Cytogenetic location: 17q21.33.
Variant type: Insertion.
Coding change: c.3901_3902insCTC on transcript NM_000088.4 (MANE Select); coding-DNA positions 3901 to 3902, CTC inserted.
Protein change: p.Tyr1301delinsSerHis.
Molecular consequence: inframe indel.
Genome position: GRCh38 VCF-style: chr17-50186420-T-TGAG. GRCh37 (hg19) VCF-style: chr17-48263781-T-TGAG.
Identifiers: ClinVar variation 4718909 (VCV004718909.1).
Genomic context (GRCh38, chr17:50,186,420, plus strand): 5'-TTGTCCTTGGGGTTCTTGCTGATGTACCAGTTCTTCTGGGCCACACTGGGCTGAGTGGGG[T>TGAG]ACACGCAGGTCTCACCAGTCTCCATGTTGCAGAAGACTTTGATGGCATCCAGGTTGCAGC-3'

ClinVar aggregate classification (germline): Uncertain significance (1 of 4 stars; one submission).

Conditions:
Osteogenesis imperfecta type I (OI1). Also called: Lobstein disease; Classic Non-deforming Osteogenesis Imperfecta with Blue Sclerae; OI, TYPE I; OSTEOGENESIS IMPERFECTA TARDA; OSTEOGENESIS IMPERFECTA WITH BLUE SCLERAE; Osteogenesis imperfecta type 1. Identifiers: Orphanet 216796, Orphanet 666, MedGen C0023931, MONDO:0008146, OMIM 166200. Disease mechanism: loss of function.

Submission:

Labcorp Genetics (formerly Invitae), Labcorp
Classification: Uncertain significance for Osteogenesis imperfecta type I. Last evaluated: 2025-05-04. Review status: criteria provided, single submitter. Criteria: Invitae Variant Classification Sherloc (09022015). Collection method: clinical testing. Allele origin: germline.
Comment: This variant, c.3901_3902insCTC, is a complex sequence change that results in the deletion of 1 and insertion of 2 amino acid(s) in the COL1A1 protein (p.Tyr1301delinsSerHis). This variant is not present in population databases (gnomAD no frequency). This variant has not been reported in the literature in individuals affected with COL1A1-related conditions. In summary, the available evidence is currently insufficient to determine the role of this variant in disease. Therefore, it has been classified as a Variant of Uncertain Significance.